The following is an entry in ClinVar:

ClinVar aggregate classification (germline): Pathogenic. Review status: criteria provided, multiple submitters, no conflicts (2 of 4 stars). 2 submissions from 2 submitters: Pathogenic (2). Last evaluated 2025-08-17.

Conditions:
Brown-Vialetto-van Laere syndrome 1. Also called: BROWN-VIALETTO-VAN LAERE SYNDROME 1, MILD; BULBAR PALSY, PROGRESSIVE, WITH SENSORINEURAL DEAFNESS; PONTOBULBAR PALSY WITH DEAFNESS. Identifiers: Orphanet 572550, Orphanet 97229, MedGen C0796274, MONDO:0024537, OMIM 211530.
Inborn genetic diseases. Identifiers: MedGen C0950123, MeSH D030342.

Allele frequency attached by ClinVar (database versions not stated): TOPMed 0.00003; gnomAD 0.00001.
gnomAD v4.1: 2 of 1,614,048 alleles (0.00012%); highest among the groups gnomAD compares: Admixed American, 0.0017%; no homozygotes.

Submissions (2):

Labcorp Genetics (formerly Invitae), Labcorp
Classification: Pathogenic for Brown-Vialetto-van Laere syndrome 1. Last evaluated: 2025-08-17. Review status: criteria provided, single submitter. Criteria: Invitae Variant Classification Sherloc (09022015). Collection method: clinical testing. Allele origin: germline.
Comment: This sequence change creates a premature translational stop signal (p.Glu184*) in the SLC52A3 gene. It is expected to result in an absent or disrupted protein product. Loss-of-function variants in SLC52A3 are known to be pathogenic (PMID: 20206331, 22824638, 25462087). This variant is not present in population databases (gnomAD no frequency). This variant has not been reported in the literature in individuals affected with SLC52A3-related conditions. ClinVar contains an entry for this variant (Variation ID: 1070902). Algorithms developed to predict the effect of sequence changes on RNA splicing suggest that this variant may disrupt the consensus splice site. For these reasons, this variant has been classified as Pathogenic.

Ambry Genetics
Classification: Pathogenic for Inborn genetic diseases. Last evaluated: 2021-01-21. Review status: criteria provided, single submitter. Criteria: Ambry Variant Classification Scheme 2023. Collection method: clinical testing. Allele origin: germline.
Comment: The p.E184* pathogenic mutation (also known as c.550G>T), located in coding exon 1 of the SLC52A3 gene, results from a G to T substitution at nucleotide position 550. This changes the amino acid from a glutamic acid to a stop codon within coding exon 1. This alteration is expected to result in loss of function by premature protein truncation or nonsense-mediated mRNA decay. As such, this alteration is interpreted as a disease-causing mutation.

Literature cited by the submitters: PubMed 20206331 (cited by Labcorp Genetics (formerly Invitae), Labcorp); PubMed 22824638 (cited by Labcorp Genetics (formerly Invitae), Labcorp); PubMed 25462087 (cited by Labcorp Genetics (formerly Invitae), Labcorp).

NM_033409.4(SLC52A3):c.550G>T (p.Glu184Ter)

Gene: SLC52A3 (solute carrier family 52 member 3; minus strand). Cytogenetic location: 20p13.
Variant type: single nucleotide variant.
Coding change: c.550G>T on transcript NM_033409.4 (MANE Select); coding-DNA position 550, G replaced by T.
Protein change: p.Glu184Ter; replaces glutamic acid 184 with a stop codon.
Molecular consequence: nonsense.
Genome position (GRCh38, 1-based): chr20:765,225, C>A on the plus strand (G>T on the coding strand, the complement: SLC52A3 is on the minus strand). VCF-style: chr20-765225-C-A. GRCh37 (hg19) VCF-style: chr20-745869-C-A.
Other names: c.550G>T, p.Glu184Ter (NM_001370085.1, NM_001370086.1); short protein forms E184*.
Identifiers: ClinVar variation 1070902 (VCV001070902.9), dbSNP rs890871342, ClinGen allele CA310678815.